The following is an entry in ClinVar:

ClinVar aggregate classification (germline): Likely benign. Review status: criteria provided, multiple submitters, no conflicts (2 of 4 stars). 5 submissions from 5 submitters: Likely benign (5). Last evaluated 2025-10-07.

Conditions:
Hypercholesterolemia, autosomal dominant, 3 (FHCL3). Also called: Familial hypercholesterolemia 3; Familial Hypercholesterolemia, Autosomal Dominant, 3; PCSK9-Related Familial Hypercholesterolemia, Autosomal Dominant. Identifiers: MedGen C1863551, MONDO:0011369, OMIM 603776.
Cardiovascular phenotype. Identifiers: MedGen CN230736.
Familial hypercholesterolemia. Also called: Familial hypercholesterolaemia; Familial hypercholesterolemias. Identifiers: MedGen C0020445, MONDO:0005439.

Allele frequency attached by ClinVar (database versions not stated): ExAC 0.00001; gnomAD exomes 0.00001; gnomAD 0.00002; TOPMed 0.00003.
gnomAD v4.1: 50 of 1,613,980 alleles (0.0031%); highest among the groups gnomAD compares: Non-Finnish European, 0.0038%; no homozygotes.

Submissions (5):

Labcorp Genetics (formerly Invitae), Labcorp
Classification: Likely benign for Hypercholesterolemia, autosomal dominant, 3. Last evaluated: 2025-10-07. Review status: criteria provided, single submitter. Criteria: Invitae Variant Classification Sherloc (09022015). Collection method: clinical testing. Allele origin: germline.

GENinCode PLC
Classification: Likely benign for Familial hypercholesterolemia. Last evaluated: 2025-01-10. Review status: criteria provided, single submitter. Criteria: ACMG Guidelines, 2015. Collection method: clinical testing. Allele origin: germline.
Comment: This is a synonymous (silent) variant that is not predicted to impact splicing and occurs at a nucleotide which is not highly conserved. This variant has been classified as Likely Benign (BP4, BP7).

Ambry Genetics
Classification: Likely benign for Cardiovascular phenotype. Last evaluated: 2023-11-21. Review status: criteria provided, single submitter. Criteria: Ambry Variant Classification Scheme 2023. Collection method: clinical testing. Allele origin: germline.

All of Us Research Program, National Institutes of Health
Classification: Likely benign for Hypercholesterolemia, autosomal dominant, 3. Last evaluated: 2023-11-20. Review status: criteria provided, single submitter. Criteria: ACMG Guidelines, 2015. Collection method: clinical testing. Allele origin: germline. Inheritance: Autosomal dominant inheritance. Observed: 3 variant alleles, 3 heterozygotes.
Comment: This study involves interpretation of variants in research participants for the purpose of population health screening. Participant phenotype was not available at the time of variant classification. Additional details can be found in publication PMID: 35346344, PMCID: PMC8962531

Color Diagnostics, LLC DBA Color Health
Classification: Likely benign for Familial hypercholesterolemia. Last evaluated: 2020-07-14. Review status: criteria provided, single submitter. Criteria: ACMG Guidelines, 2015. Collection method: clinical testing. Allele origin: germline.

NM_174936.4(PCSK9):c.1035G>A (p.Pro345=)

Gene: PCSK9 (proprotein convertase subtilisin/kexin type 9; plus strand). Cytogenetic location: 1p32.3.
Variant type: single nucleotide variant.
Coding change: c.1035G>A on transcript NM_174936.4 (MANE Select); coding-DNA position 1035, G replaced by A.
Protein change: p.Pro345=; no amino-acid change (proline 345 retained).
Molecular consequence: synonymous variant. On other transcripts: non-coding transcript variant (7).
Genome position (GRCh38, 1-based): chr1:55,057,369, G>A. VCF-style: chr1-55057369-G-A. GRCh37 (hg19) VCF-style: chr1-55523042-G-A.
Other names: c.1158G>A, p.Pro386= (NM_001407240.1); c.1035G>A, p.Pro345= (NM_001407241.1, NM_001407244.1, NM_001407247.1); c.1038G>A, p.Pro346= (NM_001407242.1); c.978G>A, p.Pro326= (NM_001407243.1); c.843G>A, p.Pro281= (NM_001407245.1); c.660G>A, p.Pro220= (NM_001407246.1).
Identifiers: ClinVar variation 1172041 (VCV001172041.8), dbSNP rs767809932, ClinGen allele CA034763.
Genomic context (GRCh38, chr1:55,057,369, plus strand): 5'-ACCCACCTCCTCACCTTTCCAGGTCATCACAGTTGGGGCCACCAATGCCCAAGACCAGCC[G>A]GTGACCCTGGGGACTTTGGGGACCAACTTTGGCCGCTGTGTGGACCTCTTTGCCCCAGGG-3'
Protein context (NP_777596.2, residues 335-355): TVGATNAQDQ[Pro345=]VTLGTLGTNF